The following is an entry in ClinVar:

Single allele

Variant type: Duplication.
Identifiers: ClinVar variation 559473 (VCV000559473.3).

ClinVar aggregate classification (germline): Uncertain significance (1 of 4 stars; one submission).

Submission:

Geisinger Autism and Developmental Medicine Institute, Geisinger Health System
Classification: Uncertain significance. Last evaluated: 2018-03-30. Review status: criteria provided, single submitter. Criteria: ACMG CNV Guidelines, 2011. Collection method: provider interpretation. Allele origin: unknown.
Comment: Parental testing for this duplication was not completed. Within this duplication three OMIM genes are included; NF2, NEFH, and a portion of EWSR1. The clinical significance of a duplication of these genes is not currently known.